The following is an entry in ClinVar:

ClinVar aggregate classification (germline): Uncertain significance (1 of 4 stars; one submission).

Conditions:
Hypertrophic cardiomyopathy. Also called: HYPERTROPHIC MYOCARDIOPATHY. Identifiers: Orphanet 217569, MedGen C0007194, MeSH D002312, MONDO:0005045, HP:0001639.

Submission:

Labcorp Genetics (formerly Invitae), Labcorp
Classification: Uncertain significance for Hypertrophic cardiomyopathy. Last evaluated: 2023-11-02. Review status: criteria provided, single submitter. Criteria: Invitae Variant Classification Sherloc (09022015). Collection method: clinical testing. Allele origin: germline.
Comment: This sequence change replaces alanine, which is neutral and non-polar, with threonine, which is neutral and polar, at codon 1547 of the MYH7 protein (p.Ala1547Thr). This variant is not present in population databases (gnomAD no frequency). This variant has not been reported in the literature in individuals affected with MYH7-related conditions. ClinVar contains an entry for this variant (Variation ID: 1422724). Advanced modeling of protein sequence and biophysical properties (such as structural, functional, and spatial information, amino acid conservation, physicochemical variation, residue mobility, and thermodynamic stability) performed at Invitae indicates that this missense variant is expected to disrupt MYH7 protein function with a positive predictive value of 95%. In summary, the available evidence is currently insufficient to determine the role of this variant in disease. Therefore, it has been classified as a Variant of Uncertain Significance.

NM_000257.4(MYH7):c.4639G>A (p.Ala1547Thr)

Genes: MHRT (myosin heavy chain associated RNA transcript; plus strand), MYH7 (myosin heavy chain 7; minus strand). Cytogenetic location: 14q11.2.
Variant type: single nucleotide variant.
Coding change: c.4639G>A on transcript NM_000257.4 (MANE Select); coding-DNA position 4639, G replaced by A.
Protein change: p.Ala1547Thr; replaces alanine 1547 with threonine.
Molecular consequence: missense variant.
Genome position (GRCh38, 1-based): chr14:23,416,873, C>T on the plus strand (G>A on the coding strand, the complement: MYH7 is on the minus strand). VCF-style: chr14-23416873-C-T. GRCh37 (hg19) VCF-style: chr14-23886082-C-T.
Other names: short protein forms A1547T.
Identifiers: ClinVar variation 1422724 (VCV001422724.8), dbSNP rs2138644219, ClinGen allele CA389037967.